The following is an entry in ClinVar:

ClinVar aggregate classification (germline): Uncertain significance (1 of 4 stars; one submission).

Conditions:
Inborn genetic diseases. Identifiers: MedGen C0950123, MeSH D030342.

Submission:

Ambry Genetics
Classification: Uncertain significance for Inborn genetic diseases. Last evaluated: 2025-07-28. Review status: criteria provided, single submitter. Criteria: Ambry Variant Classification Scheme 2023. Collection method: clinical testing. Allele origin: germline.
Comment: The p.E63Q variant (also known as c.187G>C), located in coding exon 1 of the FANCM gene, results from a G to C substitution at nucleotide position 187. The glutamic acid at codon 63 is replaced by glutamine, an amino acid with highly similar properties. This amino acid position is conserved. In addition, this alteration is predicted to be tolerated by in silico analysis. Based on the available evidence, the clinical significance of this variant remains unclear.

NM_020937.4(FANCM):c.187G>C (p.Glu63Gln)

Gene: FANCM (FA complementation group M; plus strand). Cytogenetic location: 14q21.2.
Variant type: single nucleotide variant.
Coding change: c.187G>C on transcript NM_020937.4 (MANE Select); coding-DNA position 187, G replaced by C.
Protein change: p.Glu63Gln; replaces glutamic acid 63 with glutamine.
Molecular consequence: missense variant.
Genome position (GRCh38, 1-based): chr14:45,136,218, G>C. VCF-style: chr14-45136218-G-C. GRCh37 (hg19) VCF-style: chr14-45605421-G-C.
Other names: c.187G>C, p.Glu63Gln (NM_001308133.2, NM_001308134.2); short protein forms E63Q.
Identifiers: ClinVar variation 4254620 (VCV004254620.1).